The following is an entry in ClinVar:

NM_003242.6(TGFBR2):c.*105G>A

Gene: TGFBR2 (transforming growth factor beta receptor 2; plus strand). Cytogenetic location: 3p24.1.
Variant type: single nucleotide variant.
Coding change: c.*105G>A on transcript NM_003242.6 (MANE Select); 105 bases downstream of the stop codon, G replaced by A.
Molecular consequence: 3 prime UTR variant.
Genome position (GRCh38, 1-based): chr3:30,691,704, G>A. VCF-style: chr3-30691704-G-A. GRCh37 (hg19) VCF-style: chr3-30733196-G-A.
Other names: c.*105G>A (NM_001024847.3, NM_001407126.1, NM_001407127.1 and 11 more transcripts).
Identifiers: ClinVar variation 344666 (VCV000344666.8), dbSNP rs149112005, ClinGen allele CA10615562.

ClinVar aggregate classification (germline): Likely benign. Review status: criteria provided, multiple submitters, no conflicts (2 of 4 stars). 2 submissions from 2 submitters: Likely benign (2). Last evaluated 2018-05-22.

Conditions:
Loeys-Dietz syndrome 2 (LDS2). Also called: TGFBR2-Related Loeys-Dietz Syndrome; AORTIC ANEURYSM, FAMILIAL THORACIC 3; MARFAN SYNDROME, TYPE II; Marfan Syndrome type 2; Marfan like connective tissue disorder; MFS 2. Identifiers: Orphanet 284973, Orphanet 558, MedGen C2674574, MONDO:0012427, OMIM 610168.

Allele frequency attached by ClinVar (database versions not stated): gnomAD exomes 0.00086; 1000 Genomes Project 0.00220; 1000 Genomes Project 30x 0.00234; gnomAD 0.00360 and 0.00377; TOPMed 0.00413.
gnomAD v4.1: 1,608 of 1,330,436 alleles (0.12%); highest among the groups gnomAD compares: Middle Eastern, 1.3%; 5 homozygotes.

Submissions (2):

Illumina Laboratory Services, Illumina
Classification: Likely benign for Loeys-Dietz syndrome 2. Last evaluated: 2018-05-22. Review status: criteria provided, single submitter. Criteria: ICSL Variant Classification Criteria 13 December 2019. Collection method: clinical testing. Allele origin: germline.
Comment: This variant was observed as part of a predisposition screen in an ostensibly healthy population. A literature search was performed for the gene, cDNA change, and amino acid change (where applicable). No publications were found based on this search. Allele frequency data from public databases allowed determination this variant is unlikely to cause disease. Therefore, this variant is classified as likely benign.

Breakthrough Genomics
Classification: Likely benign. Review status: criteria provided, single submitter. Criteria: ACMG Guidelines, 2015. Collection method: not provided. Allele origin: germline. Inheritance: Autosomal dominant inheritance. Affected: yes.